The following is an entry in ClinVar:

ClinVar aggregate classification (germline): Likely pathogenic (1 of 4 stars; one submission).

Allele frequency attached by ClinVar (database versions not stated): gnomAD exomes below 0.00001.
gnomAD v4.1: 1 of 1,613,344 alleles (0.000062%); highest among the groups gnomAD compares: Non-Finnish European, 0.000085%; no homozygotes.

Submission:

Labcorp Genetics (formerly Invitae), Labcorp
Classification: Likely pathogenic. Last evaluated: 2024-01-06. Review status: criteria provided, single submitter. Criteria: Invitae Variant Classification Sherloc (09022015). Collection method: clinical testing. Allele origin: germline.
Comment: This sequence change affects a donor splice site in intron 24 of the POLR3A gene. It is expected to disrupt RNA splicing. Variants that disrupt the donor or acceptor splice site typically lead to a loss of protein function (PMID: 16199547), and loss-of-function variants in POLR3A are known to be pathogenic (PMID: 21855841, 25339210, 27612211, 30414627, 30450527). This variant is not present in population databases (gnomAD no frequency). This variant has not been reported in the literature in individuals affected with POLR3A-related conditions. Algorithms developed to predict the effect of sequence changes on RNA splicing suggest that this variant may disrupt the consensus splice site. In summary, the currently available evidence indicates that the variant is pathogenic, but additional data are needed to prove that conclusively. Therefore, this variant has been classified as Likely Pathogenic.

Literature cited by the submitters: PubMed 16199547; PubMed 21855841; PubMed 25339210; PubMed 27612211; PubMed 30414627; PubMed 30450527.

NM_007055.4(POLR3A):c.3242+1G>C

Genes: POLR3A (RNA polymerase III subunit A; minus strand), LOC126860970 (BRD4-independent group 4 enhancer GRCh37_chr10:79743812-79745011; plus strand). Cytogenetic location: 10q22.3.
Variant type: single nucleotide variant.
Coding change: c.3242+1G>C on transcript NM_007055.4 (MANE Select); the canonical splice donor site of the intron after coding-DNA position 3242, G replaced by C.
Molecular consequence: splice donor variant.
Genome position (GRCh38, 1-based): chr10:77,985,169, C>G on the plus strand (G>C on the coding strand, the complement: POLR3A is on the minus strand). VCF-style: chr10-77985169-C-G. GRCh37 (hg19) VCF-style: chr10-79744927-C-G.
Identifiers: ClinVar variation 2792992 (VCV002792992.3), dbSNP rs2493189342, ClinGen allele CA377330814.